The following is an entry in ClinVar:

ClinVar aggregate classification (germline): Uncertain significance (1 of 4 stars; one submission).

Submission:

Labcorp Genetics (formerly Invitae), Labcorp
Classification: Uncertain significance. Last evaluated: 2022-01-21. Review status: criteria provided, single submitter. Criteria: Invitae Variant Classification Sherloc (09022015). Collection method: clinical testing. Allele origin: germline.
Comment: This sequence change replaces leucine, which is neutral and non-polar, with valine, which is neutral and non-polar, at codon 1004 of the MSH3 protein (p.Leu1004Val). This variant is not present in population databases (gnomAD no frequency). This variant has not been reported in the literature in individuals affected with MSH3-related conditions. Algorithms developed to predict the effect of missense changes on protein structure and function are either unavailable or do not agree on the potential impact of this missense change (SIFT: "Deleterious"; PolyPhen-2: "Probably Damaging"; Align-GVGD: "Class C0"). In summary, the available evidence is currently insufficient to determine the role of this variant in disease. Therefore, it has been classified as a Variant of Uncertain Significance.

NM_002439.5(MSH3):c.3010T>G (p.Leu1004Val)

Gene: MSH3 (mutS homolog 3; plus strand). Cytogenetic location: 5q14.1.
Variant type: single nucleotide variant.
Coding change: c.3010T>G on transcript NM_002439.5 (MANE Select); coding-DNA position 3010, T replaced by G.
Protein change: p.Leu1004Val; replaces leucine 1004 with valine.
Molecular consequence: missense variant.
Genome position (GRCh38, 1-based): chr5:80,864,822, T>G. VCF-style: chr5-80864822-T-G. GRCh37 (hg19) VCF-style: chr5-80160641-T-G.
Other names: short protein forms L1004V.
Identifiers: ClinVar variation 2160955 (VCV002160955.4), dbSNP rs2478788999, ClinGen allele CA360346061.